The following is an entry in ClinVar:

NM_001040108.2(MLH3):c.1423A>T (p.Thr475Ser)

Gene: MLH3 (mutL homolog 3; minus strand). Cytogenetic location: 14q24.3.
Variant type: single nucleotide variant.
Coding change: c.1423A>T on transcript NM_001040108.2 (MANE Select); coding-DNA position 1423, A replaced by T.
Protein change: p.Thr475Ser; replaces threonine 475 with serine.
Molecular consequence: missense variant.
Genome position (GRCh38, 1-based): chr14:75,048,233, T>A on the plus strand (A>T on the coding strand, the complement: MLH3 is on the minus strand). VCF-style: chr14-75048233-T-A. GRCh37 (hg19) VCF-style: chr14-75514936-T-A.
Other names: c.1423A>T, p.Thr475Ser (NM_014381.3); short protein forms T475S.
Identifiers: ClinVar variation 3640427 (VCV003640427.2).

ClinVar aggregate classification (germline): Uncertain significance (1 of 4 stars; one submission).

Conditions:
Colorectal cancer, hereditary nonpolyposis, type 7. Identifiers: Orphanet 144, MedGen C1858380, MONDO:0013725, OMIM 614385.

gnomAD v4.1: 1 of 1,613,782 alleles (0.000062%); highest among the groups gnomAD compares: Non-Finnish European, 0.000085%; no homozygotes.

Submission:

Labcorp Genetics (formerly Invitae), Labcorp
Classification: Uncertain significance for Colorectal cancer, hereditary nonpolyposis, type 7. Last evaluated: 2024-03-03. Review status: criteria provided, single submitter. Criteria: Invitae Variant Classification Sherloc (09022015). Collection method: clinical testing. Allele origin: germline.
Comment: This sequence change replaces threonine, which is neutral and polar, with serine, which is neutral and polar, at codon 475 of the MLH3 protein (p.Thr475Ser). This variant is not present in population databases (gnomAD no frequency). This variant has not been reported in the literature in individuals affected with MLH3-related conditions. An algorithm developed to predict the effect of missense changes on protein structure and function (PolyPhen-2) suggests that this variant is likely to be tolerated. In summary, the available evidence is currently insufficient to determine the role of this variant in disease. Therefore, it has been classified as a Variant of Uncertain Significance.